The following is an entry in ClinVar:

ClinVar aggregate classification (germline): Uncertain significance (1 of 4 stars; one submission).

Allele frequency attached by ClinVar (database versions not stated): TOPMed 0.00001.

Submission:

Labcorp Genetics (formerly Invitae), Labcorp
Classification: Uncertain significance. Last evaluated: 2023-06-29. Review status: criteria provided, single submitter. Criteria: Invitae Variant Classification Sherloc (09022015). Collection method: clinical testing. Allele origin: germline.
Comment: In summary, the available evidence is currently insufficient to determine the role of this variant in disease. Therefore, it has been classified as a Variant of Uncertain Significance. Algorithms developed to predict the effect of missense changes on protein structure and function output the following: SIFT: "Not Available"; PolyPhen-2: "Benign"; Align-GVGD: "Not Available". The leucine amino acid residue is found in multiple mammalian species, which suggests that this missense change does not adversely affect protein function. ClinVar contains an entry for this variant (Variation ID: 1988871). This variant has not been reported in the literature in individuals affected with B4GALT1-related conditions. This variant is not present in population databases (gnomAD no frequency). This sequence change replaces proline, which is neutral and non-polar, with leucine, which is neutral and non-polar, at codon 86 of the B4GALT1 protein (p.Pro86Leu).

NM_001497.4(B4GALT1):c.257C>T (p.Pro86Leu)

Gene: B4GALT1 (beta-1,4-galactosyltransferase 1; minus strand). Cytogenetic location: 9p21.1.
Variant type: single nucleotide variant.
Coding change: c.257C>T on transcript NM_001497.4 (MANE Select); coding-DNA position 257, C replaced by T.
Protein change: p.Pro86Leu; replaces proline 86 with leucine.
Molecular consequence: missense variant.
Genome position (GRCh38, 1-based): chr9:33,166,913, G>A on the plus strand (C>T on the coding strand, the complement: B4GALT1 is on the minus strand). VCF-style: chr9-33166913-G-A. GRCh37 (hg19) VCF-style: chr9-33166911-G-A.
Other names: c.218C>T, p.Pro73Leu (NM_001378495.1); c.257C>T, p.Pro86Leu (NM_001378496.1, NM_001378497.1); short protein forms P73L, P86L.
Identifiers: ClinVar variation 1988871 (VCV001988871.4), dbSNP rs1840766343, ClinGen allele CA373187577.